The following is an entry in ClinVar:

NM_006904.7(PRKDC):c.8930A>G (p.Asn2977Ser)

Gene: PRKDC (protein kinase, DNA-activated, catalytic subunit; minus strand). Cytogenetic location: 8q11.21.
Variant type: single nucleotide variant.
Coding change: c.8930A>G on transcript NM_006904.7 (MANE Select); coding-DNA position 8930, A replaced by G.
Protein change: p.Asn2977Ser; replaces asparagine 2977 with serine.
Molecular consequence: missense variant.
Genome position (GRCh38, 1-based): chr8:47,821,785, T>C on the plus strand (A>G on the coding strand, the complement: PRKDC is on the minus strand). VCF-style: chr8-47821785-T-C. GRCh37 (hg19) VCF-style: chr8-48734346-T-C.
Other names: c.8930A>G, p.Asn2977Ser (NM_001081640.2); short protein forms N2977S.
Identifiers: ClinVar variation 1944775 (VCV001944775.5), dbSNP rs2551865603, ClinGen allele CA371141194.

ClinVar aggregate classification (germline): Uncertain significance (1 of 4 stars; one submission).

Conditions:
Severe combined immunodeficiency due to DNA-PKcs deficiency. Also called: IMMUNODEFICIENCY 26 WITH NEUROLOGIC ABNORMALITIES; Immunodeficiency 26 with or without neurologic abnormalities. Identifiers: Orphanet 317425, MedGen C4014833, MONDO:0014423, OMIM 615966.

Allele frequency attached by ClinVar (database versions not stated): gnomAD exomes below 0.00001.
gnomAD v4.1: 1 of 1,558,938 alleles (0.000064%); highest among the groups gnomAD compares: Non-Finnish European, 0.000086%; no homozygotes.

Submission:

Labcorp Genetics (formerly Invitae), Labcorp
Classification: Uncertain significance for Severe combined immunodeficiency due to DNA-PKcs deficiency. Last evaluated: 2025-01-06. Review status: criteria provided, single submitter. Criteria: Invitae Variant Classification Sherloc (09022015). Collection method: clinical testing. Allele origin: germline.
Comment: This sequence change replaces asparagine, which is neutral and polar, with serine, which is neutral and polar, at codon 2977 of the PRKDC protein (p.Asn2977Ser). This variant is not present in population databases (gnomAD no frequency). This variant has not been reported in the literature in individuals affected with PRKDC-related conditions. ClinVar contains an entry for this variant (Variation ID: 1944775). Invitae Evidence Modeling of protein sequence and biophysical properties (such as structural, functional, and spatial information, amino acid conservation, physicochemical variation, residue mobility, and thermodynamic stability) indicates that this missense variant is not expected to disrupt PRKDC protein function with a negative predictive value of 80%. In summary, the available evidence is currently insufficient to determine the role of this variant in disease. Therefore, it has been classified as a Variant of Uncertain Significance.